The following is an entry in ClinVar:

ClinVar aggregate classification (germline): Uncertain significance (1 of 4 stars; one submission).

Submission:

GeneDx
Classification: Uncertain significance. Last evaluated: 2022-05-20. Review status: criteria provided, single submitter. Criteria: GeneDx Variant Classification Process June 2021. Collection method: clinical testing. Allele origin: germline. Affected: yes.
Comment: Not observed at significant frequency in large population cohorts (gnomAD); In silico analysis supports that this missense variant has a deleterious effect on protein structure/function; Has not been previously published as pathogenic or benign to our knowledge

NM_020806.5(GPHN):c.1085C>A (p.Ala362Asp)

Gene: GPHN (gephyrin; plus strand). Cytogenetic location: 14q23.3.
Variant type: single nucleotide variant.
Coding change: c.1085C>A on transcript NM_020806.5 (MANE Select); coding-DNA position 1085, C replaced by A.
Protein change: p.Ala362Asp; replaces alanine 362 with aspartic acid.
Molecular consequence: missense variant.
Genome position (GRCh38, 1-based): chr14:67,058,727, C>A. VCF-style: chr14-67058727-C-A. GRCh37 (hg19) VCF-style: chr14-67525444-C-A.
Other names: c.986C>A, p.Ala329Asp (NM_001024218.2); c.1145C>A, p.Ala382Asp (NM_001377514.1); c.1115C>A, p.Ala372Asp (NM_001377515.1); c.1106C>A, p.Ala369Asp (NM_001377516.1); c.1058C>A, p.Ala353Asp (NM_001377517.1); c.1043C>A, p.Ala348Asp (NM_001377518.1); c.1025C>A, p.Ala342Asp (NM_001377519.1); short protein forms A329D, A342D, A348D, A353D, A362D, A369D, A372D, A382D.
Identifiers: ClinVar variation 1800533 (VCV001800533.1), dbSNP rs2075702823, ClinGen allele CA390258365.